The following is an entry in ClinVar:

NM_001042424.3(NSD2):c.1525G>A (p.Val509Met)

Gene: NSD2 (nuclear receptor binding SET domain protein 2; plus strand). Cytogenetic location: 4p16.3.
Variant type: single nucleotide variant.
Coding change: c.1525G>A on transcript NM_001042424.3 (MANE Select); coding-DNA position 1525, G replaced by A.
Protein change: p.Val509Met; replaces valine 509 with methionine.
Molecular consequence: missense variant.
Genome position (GRCh38, 1-based): chr4:1,930,740, G>A. VCF-style: chr4-1930740-G-A. GRCh37 (hg19) VCF-style: chr4-1932467-G-A.
Other names: c.1525G>A, p.Val509Met (NM_007331.2, NM_133330.3, NM_133331.3 and 2 more transcripts); short protein forms V509M.
Identifiers: ClinVar variation 1680170 (VCV001680170.6), dbSNP rs748110450, ClinGen allele CA355977324.

ClinVar aggregate classification (germline): Uncertain significance (1 of 4 stars; one submission).

Submission:

Labcorp Genetics (formerly Invitae), Labcorp
Classification: Uncertain significance. Last evaluated: 2025-08-25. Review status: criteria provided, single submitter. Criteria: Invitae Variant Classification Sherloc (09022015). Collection method: clinical testing. Allele origin: germline.
Comment: This sequence change replaces valine, which is neutral and non-polar, with methionine, which is neutral and non-polar, at codon 509 of the WHSC1 protein (p.Val509Met). This variant is not present in population databases (gnomAD no frequency). This variant has not been reported in the literature in individuals affected with WHSC1-related conditions. ClinVar contains an entry for this variant (Variation ID: 1680170). An algorithm developed to predict the effect of missense changes on protein structure and function outputs the following: PolyPhen-2: "Benign". The methionine amino acid residue is found in multiple mammalian species, which suggests that this missense change does not adversely affect protein function. In summary, the available evidence is currently insufficient to determine the role of this variant in disease. Therefore, it has been classified as a Variant of Uncertain Significance.